The following is an entry in ClinVar:

ClinVar aggregate classification (germline): Uncertain significance (1 of 4 stars; one submission).

Submission:

Labcorp Genetics (formerly Invitae), Labcorp
Classification: Uncertain significance. Last evaluated: 2022-11-29. Review status: criteria provided, single submitter. Criteria: Invitae Variant Classification Sherloc (09022015). Collection method: clinical testing. Allele origin: germline.
Comment: Experimental studies and prediction algorithms are not available or were not evaluated, and the functional significance of this variant is currently unknown. In summary, the available evidence is currently insufficient to determine the role of this variant in disease. Therefore, it has been classified as a Variant of Uncertain Significance. ClinVar contains an entry for this variant (Variation ID: 1507833). This variant has not been reported in the literature in individuals affected with COL18A1-related conditions. Information on the frequency of this variant in the gnomAD database is not available, as this variant may be reported differently in the database. This sequence change replaces valine, which is neutral and non-polar, with isoleucine, which is neutral and non-polar, at codon 431 of the COL18A1 protein (p.Val431Ile).

NM_001379500.1(COL18A1):c.1290_1291delinsTA (p.Val431Ile)

Gene: COL18A1 (collagen type XVIII alpha 1 chain; plus strand). Cytogenetic location: 21q22.3.
Variant type: Indel.
Coding change: c.1290_1291delinsTA on transcript NM_001379500.1 (MANE Select); coding-DNA positions 1290 to 1291, CG replaced by TA.
Protein change: p.Val431Ile; replaces valine 431 with isoleucine.
Molecular consequence: missense variant.
Genome position (GRCh38, 1-based): chr21:45,479,943-45,479,944, CG replaced by TA. VCF-style: chr21-45479943-CG-TA. GRCh37 (hg19) VCF-style: chr21-46899857-CG-TA.
Other names: c.1830_1831delinsTA, p.Val611Ile (NM_030582.4); c.2535_2536delinsTA, p.Val846Ile (NM_130444.3); short protein forms V611I, V431I, V846I.
Identifiers: ClinVar variation 1507833 (VCV001507833.6), dbSNP rs2145934110, ClinGen allele CA2573157603.